The following is an entry in ClinVar:

ClinVar aggregate classification (germline): Uncertain significance (1 of 4 stars; one submission).

Conditions:
Haddad syndrome (OHD). Also called: Ondine-Hirschsprung disease. Identifiers: Orphanet 99803, MedGen C1859049, MONDO:0020493.

Submission:

Labcorp Genetics (formerly Invitae), Labcorp
Classification: Uncertain significance for Haddad syndrome. Last evaluated: 2022-08-06. Review status: criteria provided, single submitter. Criteria: Invitae Variant Classification Sherloc (09022015). Collection method: clinical testing. Allele origin: germline.
Comment: In summary, the available evidence is currently insufficient to determine the role of this variant in disease. Therefore, it has been classified as a Variant of Uncertain Significance. Algorithms developed to predict the effect of missense changes on protein structure and function are either unavailable or do not agree on the potential impact of this missense change (SIFT: "Deleterious"; PolyPhen-2: "Not Available"; Align-GVGD: "Class C0"). This variant has not been reported in the literature in individuals affected with PHOX2B-related conditions. This variant is not present in population databases (gnomAD no frequency). This sequence change replaces phenylalanine, which is neutral and non-polar, with valine, which is neutral and non-polar, at codon 314 of the PHOX2B protein (p.Phe314Val).

NM_003924.4(PHOX2B):c.940T>G (p.Phe314Val)

Gene: PHOX2B (paired like homeobox 2B; minus strand). Cytogenetic location: 4p13.
Variant type: single nucleotide variant.
Coding change: c.940T>G on transcript NM_003924.4 (MANE Select); coding-DNA position 940, T replaced by G.
Protein change: p.Phe314Val; replaces phenylalanine 314 with valine.
Molecular consequence: missense variant.
Genome position (GRCh38, 1-based): chr4:41,745,812, A>C on the plus strand (T>G on the coding strand, the complement: PHOX2B is on the minus strand). VCF-style: chr4-41745812-A-C. GRCh37 (hg19) VCF-style: chr4-41747829-A-C.
Other names: short protein forms F314V.
Identifiers: ClinVar variation 1715384 (VCV001715384.5), dbSNP rs1733865401, ClinGen allele CA356736617.
Genomic context (GRCh38, chr4:41,745,812, plus strand): 5'-CCGGGCCCTGGCTCGCCCGCTGTCGCCGCCGCCGCCGCCGCCGCAGGATTCCAGATCAGA[A>C]CATACTGCTCTTCACTAAGGCGGCTTTGGCACCGTTGGGTCTTTGGAGCGAAGATAGGAC-3'
Protein context (NP_003915.2, residues 304-314): AKAALVKSSM[Phe314Val]